The following is an entry in ClinVar:

NM_005336.6(HDLBP):c.753G>C (p.Glu251Asp)

Gene: HDLBP (high density lipoprotein binding protein; minus strand). Cytogenetic location: 2q37.3.
Variant type: single nucleotide variant.
Coding change: c.753G>C on transcript NM_005336.6 (MANE Select); coding-DNA position 753, G replaced by C.
Protein change: p.Glu251Asp; replaces glutamic acid 251 with aspartic acid.
Molecular consequence: missense variant.
Genome position (GRCh38, 1-based): chr2:241,256,304, C>G on the plus strand (G>C on the coding strand, the complement: HDLBP is on the minus strand). VCF-style: chr2-241256304-C-G. GRCh37 (hg19) VCF-style: chr2-242195719-C-G.
Other names: c.861G>C, p.Glu287Asp (NM_001243900.3); c.753G>C, p.Glu251Asp (NM_001320965.3, NM_001320966.3, NM_001320967.3 and 1 more transcripts); c.753G>C (NM_001320966.1); short protein forms E251D, E287D.
Identifiers: ClinVar variation 791390 (VCV000791390.6), dbSNP rs145890016, ClinGen allele CA2216861.

ClinVar aggregate classification (germline): Benign. Review status: criteria provided, single submitter (1 of 4 stars). 2 submissions from 2 submitters: Benign (1). 1 of the submissions does not count toward it. Last evaluated 2019-12-31.

Conditions:
HDLBP-related disorder. Also called: HDLBP-related condition.

Allele frequency attached by ClinVar (database versions not stated): gnomAD exomes 0.00057 and 0.00153; ExAC 0.00171; gnomAD 0.00604 and 0.00652; 1000 Genomes Project 0.00619; ESP Exome Variant Server 0.00623; 1000 Genomes Project 30x 0.00656; TOPMed 0.00677.
gnomAD v4.1: 1,799 of 1,614,132 alleles (0.11%); highest among the groups gnomAD compares: African/African-American, 2.1%; 21 homozygotes.

Submissions (2):

Labcorp Genetics (formerly Invitae), Labcorp
Classification: Benign. Last evaluated: 2019-12-31. Review status: criteria provided, single submitter. Criteria: Invitae Variant Classification Sherloc (09022015). Collection method: clinical testing. Allele origin: germline.

PreventionGenetics, part of Exact Sciences
Classification: Benign for HDLBP-related condition. Last evaluated: 2019-04-08. Review status: no assertion criteria provided. Collection method: clinical testing. Allele origin: germline. Not counted in ClinVar's aggregate classification.
Comment: This variant is classified as benign based on ACMG/AMP sequence variant interpretation guidelines (Richards et al. 2015 PMID: 25741868, with internal and published modifications).